The following is an entry in ClinVar:

ClinVar aggregate classification (germline): Uncertain significance (1 of 4 stars; one submission).

Conditions:
Mucolipidosis type IV (ML4). Also called: ML IV. Identifiers: Orphanet 578, MedGen C0238286, MONDO:0009653, OMIM 252650.

Submission:

Labcorp Genetics (formerly Invitae), Labcorp
Classification: Uncertain significance for Mucolipidosis type IV. Last evaluated: 2022-01-15. Review status: criteria provided, single submitter. Criteria: Invitae Variant Classification Sherloc (09022015). Collection method: clinical testing. Allele origin: germline.
Comment: In summary, the available evidence is currently insufficient to determine the role of this variant in disease. Therefore, it has been classified as a Variant of Uncertain Significance. Algorithms developed to predict the effect of missense changes on protein structure and function (SIFT, PolyPhen-2, Align-GVGD) all suggest that this variant is likely to be tolerated. This variant has not been reported in the literature in individuals affected with MCOLN1-related conditions. This variant is not present in population databases (gnomAD no frequency). This sequence change replaces alanine, which is neutral and non-polar, with serine, which is neutral and polar, at codon 560 of the MCOLN1 protein (p.Ala560Ser).

NM_020533.3(MCOLN1):c.1678G>T (p.Ala560Ser)

Gene: MCOLN1 (mucolipin TRP cation channel 1; plus strand). Cytogenetic location: 19p13.2.
Variant type: single nucleotide variant.
Coding change: c.1678G>T on transcript NM_020533.3 (MANE Select); coding-DNA position 1678, G replaced by T.
Protein change: p.Ala560Ser; replaces alanine 560 with serine.
Molecular consequence: missense variant.
Genome position (GRCh38, 1-based): chr19:7,533,625, G>T. VCF-style: chr19-7533625-G-T. GRCh37 (hg19) VCF-style: chr19-7598511-G-T.
Other names: short protein forms A560S.
Identifiers: ClinVar variation 1955956 (VCV001955956.5), dbSNP rs2146030210, ClinGen allele CA403091722.
Genomic context (GRCh38, chr19:7,533,625, plus strand): 5'-TACATCGCACAGTGCCAGGACAGCCCCACCTCCGGCAAGTTCCGCCGCGGGAGCGGCTCG[G>T]CCTGCAGCCTTCTCTGCTGCTGCGGAAGGTTCGAGTCCCGGGTCTGGCACATTCAGATTG-3'
Protein context (NP_065394.1, residues 550-570): SGKFRRGSGS[Ala560Ser]CSLLCCCGRD